The following is an entry in ClinVar:

NC_000023.10:g.(?_33032666)_(33229429_?)dup

Gene: DMD (dystrophin; minus strand). Cytogenetic location: Xp21.1.
Variant type: Duplication.
Identifiers: ClinVar variation 1429174 (VCV001429174.2).

ClinVar aggregate classification (germline): Uncertain significance (1 of 4 stars; one submission).

Conditions:
Duchenne muscular dystrophy (DMD). Also called: MUSCULAR DYSTROPHY, PSEUDOHYPERTROPHIC PROGRESSIVE, DUCHENNE TYPE; Duchenne Muscular Dystrophy (DMD). Identifiers: Orphanet 98896, MedGen C0013264, MONDO:0010679, OMIM 310200.

Submission:

Labcorp Genetics (formerly Invitae), Labcorp
Classification: Uncertain significance for Duchenne muscular dystrophy. Last evaluated: 2024-01-18. Review status: criteria provided, single submitter. Criteria: Invitae Variant Classification Sherloc (09022015). Collection method: clinical testing. Allele origin: germline.
Comment: This variant results in a copy number gain of the genomic region encompassing exon(s) 1-2 of the DMD gene. This region includes the initiator codon of the gene. This copy number gain extends beyond the assayed region for this gene and therefore may encompass additional genes. As the precise location of this event is unknown, it may be in tandem or it may be located elsewhere in the genome. A similar copy number variant has been observed in individual(s) with DMD-related muscular dystrophy (PMID: 32358784, 33644936, 36361501). Experimental studies and prediction algorithms are not available or were not evaluated, and the functional significance of this variant is currently unknown. In summary, the available evidence is currently insufficient to determine the role of this variant in disease. Therefore, it has been classified as a Variant of Uncertain Significance.

Literature cited by the submitters: PubMed 32358784; PubMed 33644936; PubMed 36361501.